The following is an entry in ClinVar:

ClinVar aggregate classification (germline): Uncertain significance (1 of 4 stars; one submission).

Allele frequency attached by ClinVar (database versions not stated): gnomAD exomes below 0.00001.
gnomAD v4.1: 3 of 1,612,640 alleles (0.00019%); highest among the groups gnomAD compares: Non-Finnish European, 0.00025%; no homozygotes.

Submission:

Labcorp Genetics (formerly Invitae), Labcorp
Classification: Uncertain significance. Last evaluated: 2023-05-08. Review status: criteria provided, single submitter. Criteria: Invitae Variant Classification Sherloc (09022015). Collection method: clinical testing. Allele origin: germline.
Comment: This sequence change replaces alanine, which is neutral and non-polar, with valine, which is neutral and non-polar, at codon 270 of the SLC26A4 protein (p.Ala270Val). In summary, the available evidence is currently insufficient to determine the role of this variant in disease. Therefore, it has been classified as a Variant of Uncertain Significance. Advanced modeling of protein sequence and biophysical properties (such as structural, functional, and spatial information, amino acid conservation, physicochemical variation, residue mobility, and thermodynamic stability) has been performed at Invitae for this missense variant, however the output from this modeling did not meet the statistical confidence thresholds required to predict the impact of this variant on SLC26A4 protein function. This variant has not been reported in the literature in individuals affected with SLC26A4-related conditions. This variant is not present in population databases (gnomAD no frequency).

NM_000441.2(SLC26A4):c.809C>T (p.Ala270Val)

Gene: SLC26A4 (solute carrier family 26 member 4; plus strand). Cytogenetic location: 7q22.3.
Variant type: single nucleotide variant.
Coding change: c.809C>T on transcript NM_000441.2 (MANE Select); coding-DNA position 809, C replaced by T.
Protein change: p.Ala270Val; replaces alanine 270 with valine.
Molecular consequence: missense variant.
Genome position (GRCh38, 1-based): chr7:107,683,245, C>T. VCF-style: chr7-107683245-C-T. GRCh37 (hg19) VCF-style: chr7-107323690-C-T.
Other names: short protein forms A270V.
Identifiers: ClinVar variation 2902930 (VCV002902930.3), dbSNP rs2535310125, ClinGen allele CA368835155.
Genomic context (GRCh38, chr7:107,683,245, plus strand): 5'-TTATTTTCTTTTTATAGACGCTGGTTGAGATTTTTCAAAATATTGGTGATACCAATCTTG[C>T]TGATTTCACTGCTGGATTGCTCACCATTGTCGTCTGTATGGCAGTTAAGGAATTAAATGA-3'
Protein context (NP_000432.1, residues 260-280): IFQNIGDTNL[Ala270Val]DFTAGLLTIV